The following is an entry in ClinVar:

ClinVar aggregate classification (germline): Likely benign. Review status: criteria provided, single submitter (1 of 4 stars). 2 submissions from 2 submitters: Likely benign (1). 1 of the submissions does not count toward it. Last evaluated 2025-10-01.

Conditions:
OTUD7A-related disorder. Also called: OTUD7A-related condition.

Submissions (2):

CeGaT Center for Human Genetics Tuebingen
Classification: Likely benign. Last evaluated: 2025-10-01. Review status: criteria provided, single submitter. Criteria: CeGaT Center For Human Genetics Tuebingen Variant Classification Criteria Version 2. Collection method: clinical testing. Allele origin: germline. Affected: yes. Observed: 2 variant alleles.
Comment: OTUD7A: BS2

PreventionGenetics, part of Exact Sciences
Classification: Likely benign for OTUD7A-related condition. Last evaluated: 2023-01-12. Review status: no assertion criteria provided. Collection method: clinical testing. Allele origin: germline. Not counted in ClinVar's aggregate classification.
Comment: This variant is classified as likely benign based on ACMG/AMP sequence variant interpretation guidelines (Richards et al. 2015 PMID: 25741868, with internal and published modifications).

NM_001382637.1(OTUD7A):c.2068GCC[8] (p.Ala696_Thr697insAla)

Gene: OTUD7A (OTU deubiquitinase 7A; minus strand). Cytogenetic location: 15q13.3.
Variant type: Microsatellite.
Coding change: c.2068GCC[8] on transcript NM_001382637.1 (MANE Select); eight copies in a row of the 3-base unit GCC starting at c.2068; the reference has seven copies in a row; one copy, 3 bases duplicated.
Protein change: p.Ala696_Thr697insAla.
Genome position (GRCh38, 1-based): chr15:31,484,008-31,484,010, GGC duplicated on the plus strand (GCC on the coding strand, the reverse complement: OTUD7A is on the minus strand); duplicating any 3 consecutive bases within chr15:31,484,008-31,484,028 gives the same sequence; the position shown is the placement nearest the transcript's 3' end. VCF-style (leftmost placement, unchanged base first): chr15-31484007-T-TGGC. GRCh37 (hg19) VCF-style: chr15-31776210-T-TGGC.
Other names: c.2047GCC[8], p.Ala689_Thr690insAla (NM_130901.3).
Identifiers: ClinVar variation 3048302 (VCV003048302.9), dbSNP rs199744400, ClinGen allele CA489645249.